The following is an entry in ClinVar:

NM_014018.2(MRPS28):c.213+9_213+10insCTACAGAAGGTGGAGCCCCTACAGAAGGTGGAGCCCCTACAGAAGGTGGAGCCCCTACAGAAGGTGGAGCCC

Genes: MRPS28 (mitochondrial ribosomal protein S28; minus strand), TPD52-MRPS28 (TPD52-MRPS28 readthrough; minus strand), LOC130000644 (ATAC-STARR-seq lymphoblastoid active region 27552; plus strand). Cytogenetic location: 8q21.13.
Variant type: Microsatellite.
Coding change: c.213+9_213+10insCTACAGAAGGTGGAGCCCCTACAGAAGGTGGAGCCCCTACAGAAGGTGGAGCCCCTACAGAAGGTGGAGCCC on transcript NM_014018.2; bases 9 to 10 of the intron after coding-DNA position 213, CTACAGAAGGTGGAGCCCCTACAGAAGGTGGAGCCCCTACAGAAGGTGGAGCCCCTACAGAAGGTGGAGCCC inserted.
Molecular consequence: intron variant (on NM_001387778.1).
Genome position: GRCh38, VCF-style position (the base before the change): chr8:80,030,026. GRCh37 (hg19), VCF-style position (the base before the change): chr8:80,942,261.
Other names: c.435+12558CTACAGAAGGTGGAGCCC[6] (NM_001387778.1).
Identifiers: ClinVar variation 3039901 (VCV003039901.2), ClinGen allele CA583080943.

ClinVar aggregate classification (germline): Likely benign (0 of 4 stars; one submission).

Conditions:
MRPS28-related disorder. Also called: MRPS28-related condition.

Submission:

PreventionGenetics, part of Exact Sciences
Classification: Likely benign for MRPS28-related condition. Last evaluated: 2022-07-24. Review status: no assertion criteria provided. Collection method: clinical testing. Allele origin: germline.
Comment: This variant is classified as likely benign based on ACMG/AMP sequence variant interpretation guidelines (Richards et al. 2015 PMID: 25741868, with internal and published modifications).